The following is an entry in ClinVar:

ClinVar aggregate classification (germline): Uncertain significance. Review status: criteria provided, multiple submitters, no conflicts (2 of 4 stars). 2 submissions from 2 submitters: Uncertain significance (2). Last evaluated 2026-02-03.

Conditions:
Hereditary cancer-predisposing syndrome. Also called: Hereditary Cancer Syndrome; Hereditary neoplastic syndrome; Tumor predisposition; Neoplastic Syndromes, Hereditary. Identifiers: Orphanet 140162, MedGen C0027672, MeSH D009386, MONDO:0015356.
EGFR-related lung cancer (EGFR). Identifiers: MedGen CN130014.

Allele frequency attached by ClinVar (database versions not stated): gnomAD exomes below 0.00001 and 0.00001; ExAC 0.00001; gnomAD 0.00001; TOPMed 0.00002.

Submissions (2):

Labcorp Genetics (formerly Invitae), Labcorp
Classification: Uncertain significance for EGFR-related lung cancer. Last evaluated: 2026-02-03. Review status: criteria provided, single submitter. Criteria: Invitae Variant Classification Sherloc (09022015). Collection method: clinical testing. Allele origin: germline.
Comment: This sequence change replaces arginine, which is basic and polar, with glutamine, which is neutral and polar, at codon 149 of the EGFR protein (p.Arg149Gln). This variant is present in population databases (rs759532524, gnomAD 0.006%). This variant has not been reported in the literature in individuals affected with EGFR-related conditions. ClinVar contains an entry for this variant (Variation ID: 842999). An algorithm developed to predict the effect of missense changes on protein structure and function (PolyPhen-2) suggests that this variant is likely to be disruptive. In summary, the available evidence is currently insufficient to determine the role of this variant in disease. Therefore, it has been classified as a Variant of Uncertain Significance.

Ambry Genetics
Classification: Uncertain significance for Hereditary cancer-predisposing syndrome. Last evaluated: 2025-06-11. Review status: criteria provided, single submitter. Criteria: Ambry Variant Classification Scheme 2023. Collection method: clinical testing. Allele origin: germline.
Comment: The p.R149Q variant (also known as c.446G>A), located in coding exon 4 of the EGFR gene, results from a G to A substitution at nucleotide position 446. The arginine at codon 149 is replaced by glutamine, an amino acid with highly similar properties. This amino acid position is not well conserved in available vertebrate species. In addition, the in silico prediction for this alteration is inconclusive. Based on the available evidence, the clinical significance of this variant remains unclear.

NM_005228.5(EGFR):c.446G>A (p.Arg149Gln)

Gene: EGFR (epidermal growth factor receptor; plus strand). Cytogenetic location: 7p11.2.
Variant type: single nucleotide variant.
Coding change: c.446G>A on transcript NM_005228.5 (MANE Select); coding-DNA position 446, G replaced by A.
Protein change: p.Arg149Gln; replaces arginine 149 with glutamine.
Molecular consequence: missense variant. On other transcripts: intron variant (3).
Genome position (GRCh38, 1-based): chr7:55,146,627, G>A. VCF-style: chr7-55146627-G-A. GRCh37 (hg19) VCF-style: chr7-55214320-G-A.
Other names: c.446G>A, p.Arg149Gln (NM_001346898.2, NM_201282.2, NM_201283.2 and 1 more transcripts); c.287G>A, p.Arg96Gln (NM_001346900.2); c.424+3139G>A (NM_001346899.2, NM_001346897.2); c.89-9203G>A (NM_001346941.2); short protein forms R149Q, R96Q.
Identifiers: ClinVar variation 842999 (VCV000842999.10), dbSNP rs759532524, ClinGen allele CA4265226.
Genomic context (GRCh38, chr7:55,146,627, plus strand): 5'-GCTGGAAAGAGTGCTCACCGCAGTTCCATTCTCCCGCAGAAATCCTGCATGGCGCCGTGC[G>A]GTTCAGCAACAACCCTGCCCTGTGCAACGTGGAGAGCATCCAGTGGCGGGACATAGTCAG-3'
Protein context (NP_005219.2, residues 139-159): NLQEILHGAV[Arg149Gln]FSNNPALCNV